The following is an entry in ClinVar:

ClinVar aggregate classification (germline): Conflicting classifications of pathogenicity. Review status: criteria provided, conflicting classifications (1 of 4 stars). 3 submissions from 3 submitters: Uncertain significance (2); Likely benign (1). Last evaluated 2023-03-23.

Conditions:
Hereditary cancer-predisposing syndrome. Also called: Tumor predisposition; Hereditary neoplastic syndrome; Hereditary Cancer Syndrome; Neoplastic Syndromes, Hereditary. Identifiers: Orphanet 140162, MedGen C0027672, MeSH D009386, MONDO:0015356.
Hereditary breast ovarian cancer syndrome. Also called: Hereditary breast and ovarian cancer; Breast and ovarian cancer; Hereditary breast and ovarian cancer syndrome; BRCA1- and BRCA2-Associated Hereditary Breast and Ovarian Cancer; Hereditary breast and/or ovarian cancer syndrome; Hereditary breast and ovarian cancer syndrome (HBOC). Identifiers: Orphanet 145, MedGen C0677776, MeSH D061325, MONDO:0003582. Disease mechanism: loss of function.

Allele frequency attached by ClinVar (database versions not stated): TOPMed below 0.00001.

Submissions (3):

University of Washington Department of Laboratory Medicine, University of Washington
Classification: Likely benign for Hereditary cancer-predisposing syndrome. Last evaluated: 2023-03-23. Review status: criteria provided, single submitter. Criteria: Dines et al. (Genet Med. 2020). Collection method: curation. Allele origin: germline.
Comment: Missense variant in a coldspot region where missense variants are very unlikely to be pathogenic (PMID:31911673).

BRCA2 exon 11 coldspot. Reclassification based on statistical prior probability.

Quest Diagnostics Nichols Institute San Juan Capistrano
Classification: Uncertain significance. Last evaluated: 2022-12-02. Review status: criteria provided, single submitter. Criteria: Quest Diagnostics criteria. Collection method: clinical testing. Allele origin: unknown.
Comment: The frequency of this variant in the general population, 0.00022 (9/41444 chromosomes), is uninformative in assessment of its pathogenicity. In the published literature, the variant has been predicted to not interfere with protein function (PMID: 29884841 (2019)). Analysis of this variant using bioinformatics tools for the prediction of the effect of amino acid changes on protein structure and function yielded predictions that this variant is benign. Based on the available information, we are unable to determine the clinical significance of this variant.

Labcorp Genetics (formerly Invitae), Labcorp
Classification: Uncertain significance for Hereditary breast ovarian cancer syndrome. Last evaluated: 2018-04-18. Review status: criteria provided, single submitter. Criteria: Invitae Variant Classification Sherloc (09022015). Collection method: clinical testing. Allele origin: germline.
Comment: In summary, the available evidence is currently insufficient to determine the role of this variant in disease. Therefore, it has been classified as a Variant of Uncertain Significance. Algorithms developed to predict the effect of missense changes on protein structure and function output the following: SIFT: "Tolerated"; PolyPhen-2: "Benign"; Align-GVGD: "Class C0". The serine amino acid residue is found in multiple mammalian species, suggesting that this missense change does not adversely affect protein function. These predictions have not been confirmed by published functional studies and their clinical significance is uncertain. This variant has not been reported in the literature in individuals with BRCA2-related disease. This variant is not present in population databases (ExAC no frequency). This sequence change replaces asparagine with serine at codon 1835 of the BRCA2 protein (p.Asn1835Ser). The asparagine residue is weakly conserved and there is a small physicochemical difference between asparagine and serine.

Literature cited by the submitters: PubMed 29884841 (cited by Quest Diagnostics Nichols Institute San Juan Capistrano).

NM_000059.4(BRCA2):c.5504A>G (p.Asn1835Ser)

Gene: BRCA2 (BRCA2 DNA repair associated; plus strand). Cytogenetic location: 13q13.1.
Variant type: single nucleotide variant.
Coding change: c.5504A>G on transcript NM_000059.4 (MANE Select); coding-DNA position 5504, A replaced by G.
Protein change: p.Asn1835Ser; replaces asparagine 1835 with serine.
Molecular consequence: missense variant.
Genome position (GRCh38, 1-based): chr13:32,339,859, A>G. VCF-style: chr13-32339859-A-G. GRCh37 (hg19) VCF-style: chr13-32913996-A-G.
Other names: short protein forms N1835S.
Identifiers: ClinVar variation 577535 (VCV000577535.11), dbSNP rs1282916502, ClinGen allele CA387785811.